The following is an entry in ClinVar:

NM_152713.5(STT3A):c.1589A>C (p.Tyr530Ser)

Gene: STT3A (STT3 oligosaccharyltransferase complex catalytic subunit A; plus strand). Cytogenetic location: 11q24.2.
Variant type: single nucleotide variant.
Coding change: c.1589A>C on transcript NM_152713.5 (MANE Select); coding-DNA position 1589, A replaced by C.
Protein change: p.Tyr530Ser; replaces tyrosine 530 with serine.
Molecular consequence: missense variant.
Genome position (GRCh38, 1-based): chr11:125,614,121, A>C. VCF-style: chr11-125614121-A-C. GRCh37 (hg19) VCF-style: chr11-125484016-A-C.
Other names: c.1589A>C, p.Tyr530Ser (NM_001278503.2); c.1313A>C, p.Tyr438Ser (NM_001278504.2); short protein forms Y530S, Y438S.
Identifiers: ClinVar variation 1334777 (VCV001334777.2), dbSNP rs2135940602, ClinGen allele CA383186394.

ClinVar aggregate classification (germline): Uncertain significance. Review status: criteria provided, single submitter (1 of 4 stars). 2 submissions from 2 submitters: Uncertain significance (1). 1 of the submissions does not count toward it. Last evaluated 2022-06-16.

Conditions:
Congenital disorder of glycosylation, type Iw, autosomal dominant (CDG1WAD). Identifiers: MedGen C5562068, MONDO:0859223, OMIM 619714.

Submissions (2):

SIB Swiss Institute of Bioinformatics
Classification: Uncertain significance for Congenital disorder of glycosylation, type Iw, autosomal dominant. Last evaluated: 2022-06-16. Review status: criteria provided, single submitter. Criteria: ACMG Guidelines, 2015. Collection method: curation. Allele origin: unknown.
Comment: This variant is interpreted as variant of uncertain significance for congenital disorder of glycosylation 1W, autosomal dominant. The following ACMG Tag(s) were applied: Absent from controls (or at extremely low frequency if recessive) in Exome Sequencing Project, 1000 Genomes Project, or Exome Aggregation Consortium (PM2); Multiple lines of computational evidence support a deleterious effect on the gene or gene product (PP3); Well-established functional studies show a deleterious effect (PS3 downgraded to moderate).

OMIM
Classification: Pathogenic for CONGENITAL DISORDER OF GLYCOSYLATION, TYPE Iw, AUTOSOMAL DOMINANT. Last evaluated: 2022-01-20. Review status: no assertion criteria provided. Collection method: literature only. Allele origin: germline. Not counted in ClinVar's aggregate classification.

Literature cited by the submitters: PubMed 34653363 (cited by SIB Swiss Institute of Bioinformatics and OMIM).